The following is an entry in ClinVar:

NC_000015.10:g.(?_44570505)_(44575061_?)del

Gene: SPG11 (SPG11 vesicle trafficking associated, spatacsin; minus strand). Cytogenetic location: 15q21.1.
Variant type: Deletion.
Identifiers: ClinVar variation 534912 (VCV000534912.3).

ClinVar aggregate classification (germline): Pathogenic (1 of 4 stars; one submission).

Conditions:
Hereditary spastic paraplegia 11. Also called: Nakamura Osame syndrome; Autosomal recessive hereditary spastic paraplegia, mental impairment, and thin corpus callosum; Spastic paraplegia, mental retardation and thin corpus callosum; SPASTIC PARAPLEGIA, AUTOSOMAL RECESSIVE, COMPLICATED, WITH THIN CORPUS CALLOSUM; SPASTIC PARAPLEGIA, AUTOSOMAL RECESSIVE, WITH MENTAL IMPAIRMENT AND THIN CORPUS CALLOSUM; Spastic Paraplegia 11. Identifiers: Orphanet 2822, MedGen C1858479, MONDO:0011445, OMIM 604360.

Submission:

Labcorp Genetics (formerly Invitae), Labcorp
Classification: Pathogenic for Hereditary spastic paraplegia 11. Last evaluated: 2022-10-13. Review status: criteria provided, single submitter. Criteria: Invitae Variant Classification Sherloc (09022015). Collection method: clinical testing. Allele origin: germline.
Comment: This variant is a gross deletion of the genomic region encompassing exon(s) 31-34 of the SPG11 gene. This deletion is out-of-frame, and is expected to create a premature termination codon and result in an absent or disrupted protein product. Loss-of-function variants in SPG11 are known to be pathogenic (PMID: 19105190, 20110243, 22154821, 26556829). A similar copy number variant has been observed in individuals with autosomal recessive hereditary spastic paraplegia (PMID: 19105190, 22237444, 23733235). For these reasons, this variant has been classified as Pathogenic.

Literature cited by the submitters: PubMed 19105190; PubMed 20110243; PubMed 22154821; PubMed 26556829; PubMed 22237444; PubMed 23733235.